The following is an entry in ClinVar:

NC_000019.10:g.(?_13087969)_(13094669_?)del

Gene: NFIX (nuclear factor I X; plus strand). Cytogenetic location: 19p13.2.
Variant type: Deletion.
Identifiers: ClinVar variation 833187 (VCV000833187.1).

ClinVar aggregate classification (germline): Pathogenic (1 of 4 stars; one submission).

Conditions:
Malan overgrowth syndrome (MALNS). Also called: MALAN SYNDROME; NFIX-Related Malan Syndrome; Sotos syndrome 2. Identifiers: Orphanet 420179, MedGen C3553660, MONDO:0013885, OMIM 614753.
Marshall-Smith syndrome (MRSHSS). Identifiers: Orphanet 561, MedGen C0265211, MONDO:0011244, OMIM 602535.

Submission:

Labcorp Genetics (formerly Invitae), Labcorp
Classification: Pathogenic for Sotos syndrome 2; Marshall-Smith syndrome. Last evaluated: 2019-02-23. Review status: criteria provided, single submitter. Criteria: Invitae Variant Classification Sherloc (09022015). Collection method: clinical testing. Allele origin: germline.
Comment: This variant is a gross deletion of the genomic region encompassing exons 9-11 of the NFIX gene. The 5' boundary is likely confined to intron 8. The 3' end of this event is unknown as it extends through the termination codon beyond the assayed region for this gene and may encompass additional genes. While this deletion is not anticipated to result in nonsense mediated decay, it is expected to create a truncated protein product or disrupt mRNA translation. This variant disrupts the C-terminus of the NFIX protein. Other variant(s) that disrupt this region (p.Arg494Glyfs*6, also known as p.R486Gfs*6) have been determined to be pathogenic (PMID:24924640). This suggests that variants that disrupt this region of the protein are likely to be causative of disease. For these reasons, this variant has been classified as Pathogenic.

Literature cited by the submitters: PubMed 24924640.